The following is an entry in ClinVar:

NM_006267.5(RANBP2):c.2212C>T (p.Pro738Ser)

Gene: RANBP2 (RAN binding protein 2; plus strand). Cytogenetic location: 2q13.
Variant type: single nucleotide variant.
Coding change: c.2212C>T on transcript NM_006267.5 (MANE Select); coding-DNA position 2212, C replaced by T.
Protein change: p.Pro738Ser; replaces proline 738 with serine.
Molecular consequence: missense variant.
Genome position (GRCh38, 1-based): chr2:108,754,914, C>T. VCF-style: chr2-108754914-C-T. GRCh37 (hg19) VCF-style: chr2-109371370-C-T.
Other names: short protein forms P738S.
Identifiers: ClinVar variation 707452 (VCV000707452.36), dbSNP rs201793011, ClinGen allele CA1822602.
Genomic context (GRCh38, chr2:108,754,914, plus strand): 5'-TTTGGAATTTTTTGCAAATGAAAGCCCTTAATTAATGTCTTTTATTTTTAGTTGCCTGTG[C>T]CCCTGGAGTCTGTAAAAGAGATGCTTAATTCAGTCATGCAGGAACTCGAAGACTATAGTG-3'
Protein context (NP_006258.3, residues 728-748): NLSVVKKLPV[Pro738Ser]LESVKEMLNS

ClinVar aggregate classification (germline): Benign/Likely benign. Review status: criteria provided, multiple submitters, no conflicts (2 of 4 stars). 4 submissions from 4 submitters: Benign (3); Likely benign (1). Last evaluated 2024-11-12.

Conditions:
Familial acute necrotizing encephalopathy (IIAE3). Also called: Susceptibility to Acute Necrotizing Encephalopathy 1; ENCEPHALOPATHY, ACUTE, INFECTION-INDUCED, SUSCEPTIBILITY TO, 3. Identifiers: Orphanet 88619, MedGen C2675556, MONDO:0011953, OMIM 608033.

Allele frequency attached by ClinVar (database versions not stated): TOPMed 0.00039; gnomAD 0.00045 and 0.00060; gnomAD exomes 0.00071 and 0.00091; ExAC 0.00091; ESP Exome Variant Server 0.00015; 1000 Genomes Project 30x 0.00094; 1000 Genomes Project 0.00100.
gnomAD v4.1: 1,132 of 1,611,684 alleles (0.07%); highest among the groups gnomAD compares: South Asian, 0.52%; 10 homozygotes.

Submissions (4):

Blueprint Genetics
Classification: Likely benign. Last evaluated: 2024-11-12. Review status: criteria provided, single submitter. Criteria: ACMG Guidelines, 2015. Collection method: clinical testing. Allele origin: germline.

Labcorp Genetics (formerly Invitae), Labcorp
Classification: Benign for Familial acute necrotizing encephalopathy. Last evaluated: 2024-05-29. Review status: criteria provided, single submitter. Criteria: Invitae Variant Classification Sherloc (09022015). Collection method: clinical testing. Allele origin: germline.

CeGaT Center for Human Genetics Tuebingen
Classification: Benign. Last evaluated: 2022-04-01. Review status: criteria provided, single submitter. Criteria: CeGaT Center For Human Genetics Tuebingen Variant Classification Criteria Version 2. Collection method: clinical testing. Allele origin: germline. Affected: yes. Observed: 1 variant allele.
Comment: RANBP2: BS1, BS2

Breakthrough Genomics
Classification: Benign. Review status: criteria provided, single submitter. Criteria: ACMG Guidelines, 2015. Collection method: not provided. Allele origin: germline. Inheritance: Autosomal dominant inheritance. Affected: yes.